The following is an entry in ClinVar:

NM_001374736.1(DST):c.2131T>C (p.Ser711Pro)

Gene: DST (dystonin; minus strand). Cytogenetic location: 6p12.1.
Variant type: single nucleotide variant.
Coding change: c.2131T>C on transcript NM_001374736.1 (MANE Select); coding-DNA position 2131, T replaced by C.
Protein change: p.Ser711Pro; replaces serine 711 with proline.
Molecular consequence: missense variant.
Genome position (GRCh38, 1-based): chr6:56,640,502, A>G on the plus strand (T>C on the coding strand, the complement: DST is on the minus strand). VCF-style: chr6-56640502-A-G. GRCh37 (hg19) VCF-style: chr6-56505300-A-G.
Other names: c.2032T>C, p.Ser678Pro (NM_001144769.5); c.1618T>C, p.Ser540Pro (NM_001144770.2); c.2131T>C, p.Ser711Pro (NM_001374722.1); c.1498T>C, p.Ser500Pro (NM_001374729.1, NM_001374730.1, NM_001386100.1 and 1 more transcripts); c.2158T>C, p.Ser720Pro (NM_001374734.1); c.520T>C, p.Ser174Pro (NM_001723.7, NM_015548.5); short protein forms S711P, S500P, S540P, S678P, S174P, S720P.
Identifiers: ClinVar variation 2182378 (VCV002182378.4), dbSNP rs998147309, ClinGen allele CA139218385.
Genomic context (GRCh38, chr6:56,640,502, plus strand): 5'-AGGTCAGACTAGGGTGTAAGGTCTGTGCAAATCCTGAGTTTAAACTTTGAGTGATTCCTG[A>G]TATCATGAGCTTTGTCTGTTCTGTTGTCAGTATGCGTCCTTTGCTGTACACAGAAGAACA-3'
Protein context (NP_001361665.1, residues 701-721): LTTEQTKLMI[Ser711Pro]GITQSLNSGF

ClinVar aggregate classification (germline): Uncertain significance (1 of 4 stars; one submission).

Conditions:
Epidermolysis bullosa simplex 3, localized or generalized intermediate, with BP230 deficiency (EBS3). Also called: Epidermolysis bullosa simplex due to BP230 deficiency; Epidermolysis bullosa simplex, autosomal recessive 2. Identifiers: Orphanet 412181, MedGen C3809470, MONDO:0014180, OMIM 615425.
Hereditary sensory and autonomic neuropathy type 6. Also called: Neuropathy, hereditary sensory and autonomic, type VI; HSAN VI. Identifiers: Orphanet 314381, MedGen C3539003, MONDO:0013839, OMIM 614653.

Allele frequency attached by ClinVar (database versions not stated): gnomAD exomes below 0.00001; TOPMed 0.00002.
gnomAD v4.1: 2 of 1,614,160 alleles (0.00012%); highest among the groups gnomAD compares: South Asian, 0.0022%; 1 homozygote.

Submission:

Labcorp Genetics (formerly Invitae), Labcorp
Classification: Uncertain significance for Epidermolysis bullosa simplex 3, localized or generalized intermediate, with BP230 deficiency; Hereditary sensory and autonomic neuropathy type 6. Last evaluated: 2022-05-28. Review status: criteria provided, single submitter. Criteria: Invitae Variant Classification Sherloc (09022015). Collection method: clinical testing. Allele origin: germline.
Comment: In summary, the available evidence is currently insufficient to determine the role of this variant in disease. Therefore, it has been classified as a Variant of Uncertain Significance. Algorithms developed to predict the effect of missense changes on protein structure and function (SIFT, PolyPhen-2, Align-GVGD) all suggest that this variant is likely to be disruptive. This variant has not been reported in the literature in individuals affected with DST-related conditions. This variant is not present in population databases (gnomAD no frequency). This sequence change replaces serine, which is neutral and polar, with proline, which is neutral and non-polar, at codon 174 of the DST protein (p.Ser174Pro).